The following is an entry in ClinVar:

ClinVar aggregate classification (germline): Uncertain significance (1 of 4 stars; one submission).

Submission:

Ambry Genetics
Classification: Uncertain significance. Last evaluated: 2022-01-10. Review status: criteria provided, single submitter. Criteria: Ambry Variant Classification Scheme 2023. Collection method: clinical testing. Allele origin: germline.
Comment: The p.K2181M variant (also known as c.6542A>T), located in coding exon 21 of the POLQ gene, results from an A to T substitution at nucleotide position 6542. The lysine at codon 2181 is replaced by methionine, an amino acid with similar properties. This amino acid position is conserved. In addition, this alteration is predicted to be tolerated by in silico analysis. Since supporting evidence is limited at this time, the clinical significance of this alteration remains unclear.

NM_199420.4(POLQ):c.6542A>T (p.Lys2181Met)

Gene: POLQ (DNA polymerase theta; minus strand). Cytogenetic location: 3q13.33.
Variant type: single nucleotide variant.
Coding change: c.6542A>T on transcript NM_199420.4 (MANE Select); coding-DNA position 6542, A replaced by T.
Protein change: p.Lys2181Met; replaces lysine 2181 with methionine.
Molecular consequence: missense variant.
Genome position (GRCh38, 1-based): chr3:121,473,351, T>A on the plus strand (A>T on the coding strand, the complement: POLQ is on the minus strand). VCF-style: chr3-121473351-T-A. GRCh37 (hg19) VCF-style: chr3-121192198-T-A.
Other names: short protein forms K2181M.
Identifiers: ClinVar variation 1754121 (VCV001754121.2), dbSNP rs2546774476, ClinGen allele CA354085747.